The following is an entry in ClinVar:

ClinVar aggregate classification (germline): Pathogenic (1 of 4 stars; one submission).

Conditions:
Glycogen storage disease, type IV (GSD4). Also called: AMYLOPECTINOSIS; ANDERSEN DISEASE; BRANCHER DEFICIENCY; CIRRHOSIS, FAMILIAL, WITH DEPOSITION OF ABNORMAL GLYCOGEN; GBE1 DEFICIENCY; GLYCOGEN BRANCHING ENZYME DEFICIENCY. Identifiers: Orphanet 367, MedGen C0017923, MONDO:0009292, OMIM 232500.

Submission:

Myriad Genetics, Inc.
Classification: Pathogenic for Glycogen storage disease, type IV. Last evaluated: 2025-03-02. Review status: criteria provided, single submitter. Criteria: Myriad Autosomal Dominant, Autosomal Recessive and X-Linked Classification Criteria (2023). Collection method: clinical testing. Allele origin: unknown.
Comment: NM_000158.3(GBE1):c.1380dupA(V461Sfs*11) is expected to be pathogenic in the context of glycogen storage disease, GBE1-related. This variant is predicted to lead to an abnormal or absent protein product due to the creation of a premature termination codon in GBE1, a gene where loss-of-function variants are known to be pathogenic. Please note: this variant was assessed in the context of healthy population screening.

NM_000158.4(GBE1):c.1380dup (p.Val461fs)

Gene: GBE1 (1,4-alpha-glucan branching enzyme 1; minus strand). Cytogenetic location: 3p12.2.
Variant type: Duplication.
Coding change: c.1380dup on transcript NM_000158.4 (MANE Select); coding-DNA position 1380, one base duplicated (A; older notation c.1380dupA).
Protein change: p.Val461fs; shifts the reading frame from valine 461.
Molecular consequence: frameshift variant.
Genome position (GRCh38, 1-based): chr3:81,581,231, T duplicated on the plus strand (A on the coding strand, the reverse complement: GBE1 is on the minus strand). VCF-style (leftmost placement, unchanged base first): chr3-81581230-C-CT. GRCh37 (hg19) VCF-style: chr3-81630381-C-CT.
Other names: short protein forms V461fs.
Identifiers: ClinVar variation 5014169 (VCV005014169.1).
Genomic context (GRCh38, chr3:81,581,230, plus strand): 5'-CATGGCTCTCTGCATAAGCAATGCACTTTTCAAGGTAGCGCCTGTTTGTGAGCGTGTATA[C>CT]TATATCGCCCATGTTCCAGTCTTCATCTTTAAACTCTTTAAGTAGCTAGACACAAGAGAG-3'